The following is an entry in ClinVar:

NM_031844.3(HNRNPU):c.75_78del (p.Ser26fs)

Gene: HNRNPU (heterogeneous nuclear ribonucleoprotein U; minus strand). Cytogenetic location: 1q44.
Variant type: Deletion.
Coding change: c.75_78del on transcript NM_031844.3 (MANE Select); coding-DNA positions 75 to 78, 4 bases deleted (TTCT; older notation c.75_78delTTCT).
Protein change: p.Ser26fs; shifts the reading frame from serine 26.
Molecular consequence: frameshift variant.
Genome position (GRCh38, 1-based): chr1:244,864,230-244,864,233, AGAA deleted on the plus strand (TTCT on the coding strand, the reverse complement: HNRNPU is on the minus strand); deleting any 4 consecutive bases within chr1:244,864,230-244,864,235 gives the same sequence; the c. name uses the placement nearest the transcript's 3' end. VCF-style (leftmost placement, unchanged base first): chr1-244864229-CAGAA-C. GRCh37 (hg19) VCF-style: chr1-245027531-CAGAA-C.
Other names: c.75_78del, p.Ser26fs (NM_004501.3); short protein forms S26fs.
Identifiers: ClinVar variation 817770 (VCV000817770.1), dbSNP rs1573338529, ClinGen allele CA915942120.
Genomic context (GRCh38, chr1:244,864,229, plus strand): 5'-CCTCCTCGTCGTCCAGCGCAGCCTGGAGTCGCTCCATGAGCTCGGCCTTGAGACCCTTGT[CAGAA>C]AGGCGTCGCTTCTTGAGCTCCTCTTTCAGCTCCGACACCTTCAGCTTTTTTACATTAACA-3'

ClinVar aggregate classification (germline): Likely pathogenic (1 of 4 stars; one submission).

Submission:

GeneDx
Classification: Likely pathogenic. Last evaluated: 2018-08-08. Review status: criteria provided, single submitter. Criteria: GeneDx Variant Classification (06012015). Collection method: clinical testing. Allele origin: germline. Affected: yes.
Comment: The c.75_78delTTCT variant in the HNRNPU gene has not been reported previously as a pathogenic variant nor as a benign variant, to our knowledge. The c.75_78delTTCT variant causes a frameshift starting with codon Serine 26, changes this amino acid to a Threonine residue, and creates a premature Stop codon at position 34 of the new reading frame, denoted p.Ser26ThrfsX34. This variant is predicted to cause loss of normal protein function either through protein truncation or nonsense-mediated mRNA decay. The c.75_78delTTCT variant is not observed in large population cohorts (Lek et al., 2016). We interpret c.75_78delTTCT as a likely pathogenic variant.